The following is an entry in ClinVar:

ClinVar aggregate classification (germline): Uncertain significance. Review status: criteria provided, multiple submitters, no conflicts (2 of 4 stars). 3 submissions from 3 submitters: Uncertain significance (3). Last evaluated 2025-04-30.

Conditions:
Inborn genetic diseases. Identifiers: MedGen C0950123, MeSH D030342.
Charcot-Marie-Tooth disease type 4. Also called: Charcot-Marie-Tooth disease, type IV; Charcot-Marie-Tooth, Type 4. Identifiers: Orphanet 64749, MedGen C4082197, MONDO:0018995.

Allele frequency attached by ClinVar (database versions not stated): gnomAD 0.00001; gnomAD exomes 0.00001.
gnomAD v4.1: 11 of 1,602,552 alleles (0.00069%); highest among the groups gnomAD compares: African/African-American, 0.0013%; no homozygotes.

Submissions (3):

GeneDx
Classification: Uncertain significance. Last evaluated: 2025-04-30. Review status: criteria provided, single submitter. Criteria: GeneDx Variant Classification Process June 2021. Collection method: clinical testing. Allele origin: germline. Affected: yes.
Comment: In silico analysis suggests that this variant does not alter splicing; Has not been previously published as pathogenic or benign to our knowledge

Labcorp Genetics (formerly Invitae), Labcorp
Classification: Uncertain significance for Charcot-Marie-Tooth disease type 4. Last evaluated: 2022-02-21. Review status: criteria provided, single submitter. Criteria: Invitae Variant Classification Sherloc (09022015). Collection method: clinical testing. Allele origin: germline.
Comment: This sequence change falls in intron 17 of the SBF2 gene. It does not directly change the encoded amino acid sequence of the SBF2 protein. It affects a nucleotide within the consensus splice site. In summary, the available evidence is currently insufficient to determine the role of this variant in disease. Therefore, it has been classified as a Variant of Uncertain Significance. This variant is present in population databases (no rsID available, gnomAD 0.02%). This variant has not been reported in the literature in individuals affected with SBF2-related conditions. Variants that disrupt the consensus splice site are a relatively common cause of aberrant splicing (PMID: 17576681, 9536098). Algorithms developed to predict the effect of sequence changes on RNA splicing suggest that this variant is not likely to affect RNA splicing.

Ambry Genetics
Classification: Uncertain significance for Inborn genetic diseases. Last evaluated: 2020-07-22. Review status: criteria provided, single submitter. Criteria: Ambry Variant Classification Scheme 2023. Collection method: clinical testing. Allele origin: germline.
Comment: The c.1929+4A>G intronic variant results from an A to G substitution 4 nucleotides after coding exon 17 in the SBF2 gene. This nucleotide position is highly conserved in available vertebrate species. In silico splice site analysis predicts that this alteration will not have any significant effect on splicing. Since supporting evidence is limited at this time, the clinical significance of this alteration remains unclear.

Literature cited by the submitters: PubMed 17576681 (cited by Labcorp Genetics (formerly Invitae), Labcorp); PubMed 9536098 (cited by Labcorp Genetics (formerly Invitae), Labcorp).

NM_030962.4(SBF2):c.1929+4A>G

Genes: SBF2 (SET binding factor 2; minus strand), LOC101928008 (uncharacterized LOC101928008; plus strand). Cytogenetic location: 11p15.4.
Variant type: single nucleotide variant.
Coding change: c.1929+4A>G on transcript NM_030962.4 (MANE Select); 4 bases into the intron after coding-DNA position 1929, A replaced by G.
Molecular consequence: intron variant.
Genome position (GRCh38, 1-based): chr11:9,895,939, T>C on the plus strand (A>G on the coding strand, the complement: SBF2 is on the minus strand). VCF-style: chr11-9895939-T-C. GRCh37 (hg19) VCF-style: chr11-9917486-T-C.
Other names: c.1800+4A>G (NM_001386342.1); c.1929+4A>G (NM_001386339.1).
Identifiers: ClinVar variation 1782808 (VCV001782808.7), dbSNP rs1216779529, ClinGen allele CA597569942.